The following is an entry in ClinVar:

NM_003730.6(RNASET2):c.697G>A (p.Ala233Thr)

Gene: RNASET2 (ribonuclease T2; minus strand). Cytogenetic location: 6q27.
Variant type: single nucleotide variant.
Coding change: c.697G>A on transcript NM_003730.6 (MANE Select); coding-DNA position 697, G replaced by A.
Protein change: p.Ala233Thr; replaces alanine 233 with threonine.
Molecular consequence: missense variant.
Genome position (GRCh38, 1-based): chr6:166,929,662, C>T on the plus strand (G>A on the coding strand, the complement: RNASET2 is on the minus strand). VCF-style: chr6-166929662-C-T. GRCh37 (hg19) VCF-style: chr6-167343150-C-T.
Other names: short protein forms A233T.
Identifiers: ClinVar variation 776184 (VCV000776184.12), dbSNP rs149922066, ClinGen allele CA4094813.
Genomic context (GRCh38, chr6:166,929,662, plus strand): 5'-TTTTAGGTGGGGGATAGAAGACTGGGCCATCTTCACAGACTCTCAGACCCCGGCTCTCGG[C>T]GGCCCCATTTGCCAGCCAGACTTCCTGCTTGGGGGACGGCTGCTCCCCCGGCTCGGTGCA-3'
Protein context (NP_003721.2, residues 223-243): KQEVWLANGA[Ala233Thr]ESRGLRVCED

ClinVar aggregate classification (germline): Benign. Review status: criteria provided, single submitter (1 of 4 stars). 2 submissions from 2 submitters: Benign (1). 1 of the submissions does not count toward it. Last evaluated 2025-12-18.

Conditions:
RNASET2-related disorder. Also called: RNASET2-related condition.

Allele frequency attached by ClinVar (database versions not stated): 1000 Genomes Project 0.00319; 1000 Genomes Project 30x 0.00328; gnomAD 0.00567 and 0.00620; TOPMed 0.00641; ESP Exome Variant Server 0.00700.
gnomAD v4.1: 1,578 of 1,614,092 alleles (0.098%); highest among the groups gnomAD compares: African/African-American, 1.9%; 14 homozygotes.

Submissions (2):

Labcorp Genetics (formerly Invitae), Labcorp
Classification: Benign. Last evaluated: 2025-12-18. Review status: criteria provided, single submitter. Criteria: Invitae Variant Classification Sherloc (09022015). Collection method: clinical testing. Allele origin: germline.

PreventionGenetics, part of Exact Sciences
Classification: Benign for RNASET2-related condition. Last evaluated: 2024-02-20. Review status: no assertion criteria provided. Collection method: clinical testing. Allele origin: germline. Not counted in ClinVar's aggregate classification.
Comment: This variant is classified as benign based on ACMG/AMP sequence variant interpretation guidelines (Richards et al. 2015 PMID: 25741868, with internal and published modifications).